The following is an entry in ClinVar:

ClinVar aggregate classification (germline): Likely benign. Review status: criteria provided, multiple submitters, no conflicts (2 of 4 stars). 2 submissions from 2 submitters: Likely benign (2). Last evaluated 2025-10-26.

Allele frequency attached by ClinVar (database versions not stated): gnomAD 0.00006 and 0.00007; ESP Exome Variant Server 0.00008; TOPMed 0.00008; 1000 Genomes Project 30x 0.00016; 1000 Genomes Project 0.00020.
gnomAD v4.1: 79 of 1,613,994 alleles (0.0049%); highest among the groups gnomAD compares: Admixed American, 0.0067%; no homozygotes.

Submissions (2):

Labcorp Genetics (formerly Invitae), Labcorp
Classification: Likely benign. Last evaluated: 2025-10-26. Review status: criteria provided, single submitter. Criteria: Invitae Variant Classification Sherloc (09022015). Collection method: clinical testing. Allele origin: germline.

CeGaT Center for Human Genetics Tuebingen
Classification: Likely benign. Last evaluated: 2024-08-01. Review status: criteria provided, single submitter. Criteria: CeGaT Center For Human Genetics Tuebingen Variant Classification Criteria Version 2. Collection method: clinical testing. Allele origin: germline. Affected: yes. Observed: 1 variant allele.
Comment: KCNK4: BP4, BP7

NM_033310.3(KCNK4):c.414C>T (p.Val138=)

Genes: KCNK4 (potassium two pore domain channel subfamily K member 4; plus strand), KCNK4-CATSPERZ (KCNK4-CATSPERZ readthrough (NMD candidate); plus strand). Cytogenetic location: 11q13.1.
Variant type: single nucleotide variant.
Coding change: c.414C>T on transcript NM_033310.3 (MANE Select); coding-DNA position 414, C replaced by T.
Protein change: p.Val138=; no amino-acid change (valine 138 retained).
Molecular consequence: synonymous variant. On other transcripts: non-coding transcript variant (3).
Genome position (GRCh38, 1-based): chr11:64,297,219, C>T. VCF-style: chr11-64297219-C-T. GRCh37 (hg19) VCF-style: chr11-64064691-C-T.
Other names: c.414C>T, p.Val138= (NM_001317090.2).
Identifiers: ClinVar variation 1657794 (VCV001657794.24), dbSNP rs199730514, ClinGen allele CA6073043.
Genomic context (GRCh38, chr11:64,297,219, plus strand): 5'-CTTCTGCATCTTTTATGCGCTGGTGGGGATTCCGCTGTTTGGGATCCTACTGGCAGGGGT[C>T]GGGGACCGGCTGGGCTCCTCCCTGCGCCATGGCATCGGTCACATTGAAGCCATCTTCTTG-3'
Protein context (NP_201567.1, residues 128-148): IPLFGILLAG[Val138=]GDRLGSSLRH